The following is an entry in ClinVar:

ClinVar aggregate classification (germline): Conflicting classifications of pathogenicity. Review status: criteria provided, conflicting classifications (1 of 4 stars). 4 submissions from 4 submitters: Uncertain significance (1); Likely benign (3). Last evaluated 2025-12-09.

Conditions:
Cardiovascular phenotype. Identifiers: MedGen CN230736.
Brugada syndrome. Also called: Sudden unexplained nocturnal death syndrome; Sudden Unexplained Death Syndrome; Sudden Unexplained Nocturnal Death Syndrome (SUNDS); Sudden unexpected nocturnal death syndrome. Identifiers: Orphanet 130, MedGen C1142166, MONDO:0015263.

Allele frequency attached by ClinVar (database versions not stated): ExAC 0.00013; ESP Exome Variant Server 0.00023; gnomAD 0.00050 and 0.00054; TOPMed 0.00061; gnomAD exomes 0.00004 and 0.00012.

Submissions (4):

Labcorp Genetics (formerly Invitae), Labcorp
Classification: Likely benign for Brugada syndrome. Last evaluated: 2025-12-09. Review status: criteria provided, single submitter. Criteria: Invitae Variant Classification Sherloc (09022015). Collection method: clinical testing. Allele origin: germline.

Mayo Clinic Laboratories, Mayo Clinic
Classification: Likely benign. Last evaluated: 2025-08-27. Review status: criteria provided, single submitter. Criteria: ACMG Guidelines, 2015. Collection method: clinical testing. Allele origin: germline. Observed: 1 variant allele.

GeneDx
Classification: Uncertain significance. Last evaluated: 2024-09-09. Review status: criteria provided, single submitter. Criteria: GeneDx Variant Classification Process June 2021. Collection method: clinical testing. Allele origin: germline. Affected: yes.
Comment: Published in one individual with Brugada syndrome; however, no clinical details or segregation data were provided (PMID: 25691538); In silico analysis supports that this missense variant has a deleterious effect on protein structure/function; In silico analysis suggests this variant may impact gene splicing. In the absence of RNA/functional studies, the actual effect of this sequence change is unknown.; This variant is associated with the following publications: (PMID: 29037745, 30821013, 25691538)

Ambry Genetics
Classification: Likely benign for Cardiovascular phenotype. Last evaluated: 2020-02-26. Review status: criteria provided, single submitter. Criteria: Ambry Variant Classification Scheme 2023. Collection method: clinical testing. Allele origin: germline.

Literature cited by the submitters: PubMed 25691538 (cited by Mayo Clinic Laboratories, Mayo Clinic and Ambry Genetics); PubMed 30821013 (cited by Mayo Clinic Laboratories, Mayo Clinic and Ambry Genetics).

NM_006514.4(SCN10A):c.55G>A (p.Glu19Lys)

Gene: SCN10A (sodium voltage-gated channel alpha subunit 10; minus strand). Cytogenetic location: 3p22.2.
Variant type: single nucleotide variant.
Coding change: c.55G>A on transcript NM_006514.4 (MANE Select); coding-DNA position 55, G replaced by A.
Protein change: p.Glu19Lys; replaces glutamic acid 19 with lysine.
Molecular consequence: missense variant.
Genome position (GRCh38, 1-based): chr3:38,793,956, C>T on the plus strand (G>A on the coding strand, the complement: SCN10A is on the minus strand). VCF-style: chr3-38793956-C-T. GRCh37 (hg19) VCF-style: chr3-38835447-C-T.
Other names: p.Glu19Lys; c.55G>A, p.Glu19Lys (NM_001293306.2, NM_001293307.2); short protein forms E19K.
Identifiers: ClinVar variation 414620 (VCV000414620.16), dbSNP rs141810266, ClinGen allele CA2321309.